The following is an entry in ClinVar:

ClinVar aggregate classification (germline): Uncertain significance (1 of 4 stars; one submission).

Conditions:
Dyskeratosis congenita. Identifiers: Orphanet 1775, MedGen C0265965, MONDO:0015780.

Submission:

Ambry Genetics
Classification: Uncertain significance for Dyskeratosis congenita. Last evaluated: 2023-03-12. Review status: criteria provided, single submitter. Criteria: Ambry Variant Classification Scheme 2023. Collection method: clinical testing. Allele origin: germline.
Comment: The p.E910G variant (also known as c.2729A>G), located in coding exon 11 of the TERT gene, results from an A to G substitution at nucleotide position 2729. The glutamic acid at codon 910 is replaced by glycine, an amino acid with similar properties. This amino acid position is conserved. In addition, this alteration is predicted to be tolerated by in silico analysis. Since supporting evidence is limited at this time, the clinical significance of this alteration remains unclear.

NM_198253.3(TERT):c.2729A>G (p.Glu910Gly)

Gene: TERT (telomerase reverse transcriptase; minus strand). Cytogenetic location: 5p15.33.
Variant type: single nucleotide variant.
Coding change: c.2729A>G on transcript NM_198253.3 (MANE Select); coding-DNA position 2729, A replaced by G.
Protein change: p.Glu910Gly; replaces glutamic acid 910 with glycine.
Molecular consequence: missense variant. On other transcripts: intron variant (1).
Genome position (GRCh38, 1-based): chr5:1,264,518, T>C on the plus strand (A>G on the coding strand, the complement: TERT is on the minus strand). VCF-style: chr5-1264518-T-C. GRCh37 (hg19) VCF-style: chr5-1264633-T-C.
Other names: c.2729A>G, p.Glu910Gly (NM_003219.1); c.2654+1946A>G (NM_001193376.3); short protein forms E910G.
Identifiers: ClinVar variation 2454096 (VCV002454096.2), dbSNP rs2478153608, ClinGen allele CA359071983.